The following is an entry in ClinVar:

ClinVar aggregate classification (germline): Pathogenic. Review status: reviewed by expert panel (3 of 4 stars). 5 submissions from 5 submitters: Pathogenic (1). 4 of the submissions do not count toward it. Last evaluated 2016-09-08.

Conditions:
Hereditary cancer-predisposing syndrome. Also called: Hereditary Cancer Syndrome; Neoplastic Syndromes, Hereditary; Hereditary neoplastic syndrome; Tumor predisposition. Identifiers: Orphanet 140162, MedGen C0027672, MeSH D009386, MONDO:0015356.
Hereditary breast ovarian cancer syndrome. Also called: Hereditary breast and ovarian cancer syndrome (HBOC); Breast and ovarian cancer; Hereditary breast and ovarian cancer syndrome; Hereditary breast and ovarian cancer; BRCA1- and BRCA2-Associated Hereditary Breast and Ovarian Cancer; Hereditary breast and/or ovarian cancer syndrome. Identifiers: Orphanet 145, MedGen C0677776, MeSH D061325, MONDO:0003582. Disease mechanism: loss of function.
Breast-ovarian cancer, familial, susceptibility to, 1 (BROVCA1). Also called: BRCA1 Hereditary Breast and Ovarian Cancer; OVARIAN CANCER, SUSCEPTIBILITY TO. Identifiers: Orphanet 145, MedGen C2676676, MONDO:0011450, OMIM 604370. Disease mechanism: loss of function.

Submissions (5):

Evidence-based Network for the Interpretation of Germline Mutant Alleles (ENIGMA)
Classification: Pathogenic for Breast-ovarian cancer, familial, susceptibility to, 1. Last evaluated: 2016-09-08. Review status: reviewed by expert panel. Criteria: ENIGMA BRCA1/2 Classification Criteria (2015). Collection method: curation. Allele origin: germline.
Comment: Variant allele predicted to encode a truncated non-functional protein.

Ambry Genetics
Classification: Pathogenic for Hereditary cancer-predisposing syndrome. Last evaluated: 2025-08-21. Review status: criteria provided, single submitter. Criteria: Ambry Variant Classification Scheme 2023. Collection method: clinical testing. Allele origin: germline. Not counted in ClinVar's aggregate classification.
Comment: The p.S713* pathogenic mutation (also known as c.2138C>A), located in coding exon 9 of the BRCA1 gene, results from a C to A substitution at nucleotide position 2138. This changes the amino acid from a serine to a stop codon within coding exon 9. This variant has been identified in multiple individuals with personal and/or family histories of breast and/or ovarian cancer (Vaziri SA et al. Hum. Mutat. 2001;17:74; Wang X et al. Mol Genet Genomic Med. 2019 Jun;7:e677; Donenberg T et al. Breast Cancer Res. Treat. 2016 08;159:131-8; Rebbeck TR et al. Hum. Mutat. 2018 05;39:593-620). Note, this variant is also referred to as 2257C>A in the literature. This alteration is expected to result in loss of function by premature protein truncation or nonsense-mediated mRNA decay. As such, this alteration is interpreted as a disease-causing mutation.

Quest Diagnostics Nichols Institute San Juan Capistrano
Classification: Pathogenic. Last evaluated: 2023-05-18. Review status: criteria provided, single submitter. Criteria: Quest Diagnostics criteria. Collection method: clinical testing. Allele origin: unknown. Not counted in ClinVar's aggregate classification.
Comment: The BRCA1 c.2138C>A (p.Ser713*) variant causes the premature termination of BRCA1 protein synthesis. In the published literature, this variant has been reported in individuals and families with breast and/or ovarian cancer (PMIDs: 33646313 (2021), 29446198 (2018), 27469594 (2016)). This variant has not been reported in large, multi-ethnic general populations (Genome Aggregation Database). Based on the available information, this variant is classified as pathogenic.

Labcorp Genetics (formerly Invitae), Labcorp
Classification: Pathogenic for Hereditary breast ovarian cancer syndrome. Last evaluated: 2021-06-18. Review status: criteria provided, single submitter. Criteria: Invitae Variant Classification Sherloc (09022015). Collection method: clinical testing. Allele origin: germline. Not counted in ClinVar's aggregate classification.
Comment: For these reasons, this variant has been classified as Pathogenic. This variant has been observed in individual(s) with breast and/or ovarian cancer (PMID: 27469594, 29446198). ClinVar contains an entry for this variant (Variation ID: 254406). This variant is not present in population databases (ExAC no frequency). This sequence change creates a premature translational stop signal (p.Ser713*) in the BRCA1 gene. It is expected to result in an absent or disrupted protein product. Loss-of-function variants in BRCA1 are known to be pathogenic (PMID: 20104584).

Consortium of Investigators of Modifiers of BRCA1/2 (CIMBA), c/o University of Cambridge
Classification: Pathogenic for Breast-ovarian cancer, familial, susceptibility to, 1. Last evaluated: 2015-10-02. Review status: criteria provided, single submitter. Criteria: CIMBA Mutation Classification guidelines May 2016. Collection method: clinical testing. Allele origin: germline. Not counted in ClinVar's aggregate classification.

Literature cited by the submitters: PubMed 11139249 (cited by Ambry Genetics and Quest Diagnostics Nichols Institute San Juan Capistrano); PubMed 27469594 (cited by 3 submitters); PubMed 29446198 (cited by 3 submitters); PubMed 30968603 (cited by Ambry Genetics and Quest Diagnostics Nichols Institute San Juan Capistrano); PubMed 33646313 (cited by Quest Diagnostics Nichols Institute San Juan Capistrano); PubMed 20104584 (cited by Labcorp Genetics (formerly Invitae), Labcorp).

NM_007294.4(BRCA1):c.2138C>A (p.Ser713Ter)

Gene: BRCA1 (BRCA1 DNA repair associated; minus strand). Cytogenetic location: 17q21.31.
Variant type: single nucleotide variant.
Coding change: c.2138C>A on transcript NM_007294.4 (MANE Select); coding-DNA position 2138, C replaced by A.
Protein change: p.Ser713Ter; replaces serine 713 with a stop codon.
Molecular consequence: nonsense. On other transcripts: intron variant (137).
Genome position (GRCh38, 1-based): chr17:43,093,393, G>T on the plus strand (C>A on the coding strand, the complement: BRCA1 is on the minus strand). VCF-style: chr17-43093393-G-T. GRCh37 (hg19) VCF-style: chr17-41245410-G-T.
Other names: c.1925C>A, p.Ser642Ter (NM_001407571.1, NM_001407853.1, NM_001407894.1 and 9 more transcripts); c.2138C>A, p.Ser713Ter (NM_001407581.1, NM_001407582.1, NM_001407583.1 and 30 more transcripts); c.2135C>A, p.Ser712Ter (NM_001407587.1, NM_001407590.1, NM_001407591.1 and 22 more transcripts); c.2129C>A, p.Ser710Ter (NM_001407646.1, NM_001407647.1); c.2015C>A, p.Ser672Ter (NM_001407648.1, NM_001407664.1, NM_001407665.1 and 19 more transcripts); c.2012C>A, p.Ser671Ter (NM_001407649.1, NM_001407670.1, NM_001407685.1 and 11 more transcripts); c.2057C>A, p.Ser686Ter (NM_001407662.1, NM_001407659.1, NM_001407660.1 and 1 more transcripts); c.2060C>A, p.Ser687Ter (NM_001407663.1, NM_001407653.1, NM_001407654.1 and 4 more transcripts); and 41 more; short protein forms S713*, S666*, S417*, S602*, S642*, S645*, S671*, S672*.
Identifiers: ClinVar variation 254406 (VCV000254406.18), dbSNP rs80357233, ClinGen allele CA10586649.